The following is an entry in ClinVar:

ClinVar aggregate classification (germline): Benign. Review status: criteria provided, single submitter (1 of 4 stars). 2 submissions from 2 submitters: Benign (1). 1 of the submissions does not count toward it. Last evaluated 2025-02-07.

Conditions:
Mitochondrial inheritance. Identifiers: MedGen C0887941, HP:0001427.
Leber optic atrophy (LHON). Also called: Optic Atrophy, Hereditary, Leber; Leber hereditary optic neuropathy; Leber's disease; Leber's optic atrophy. Identifiers: Orphanet 104, MedGen C0917796, MONDO:0010788, OMIM 535000, HP:0001112.

Submissions (2):

Mendelics
Classification: Benign for Leber optic atrophy. Last evaluated: 2025-02-07. Review status: criteria provided, single submitter. Criteria: ACMG Guidelines, 2015. Collection method: clinical testing. Allele origin: unknown.
Comment: This variant is considered likely benign or benign based on one or more of the following: it is predicted to be benign by multiple in silico algorithms, and/or has population frequency not consistent with disease, and/or has normal protein function, and/or has lack of segregation with disease, and/or has been detected in co-occurrence with known pathogenic variant, and/or has lack of disease association in case-control studies, and/or is located in a region inconsistent with a known cause of pathogenicity. GnomAD 4.1.0 frequency 0.02523 homoplsmic/2 heteroplasmic

Department of Pediatrics, Division of Medical Genetics, Faculty of Medicine Ramathibodi Hospital, Mahidol University
Classification: Uncertain significance for Mitochondrial inheritance. Review status: no assertion criteria provided. Collection method: research. Allele origin: maternal. Inheritance: Mitochondrial inheritance. Affected: yes. Not counted in ClinVar's aggregate classification.

NC_012920.1:m.249del

Variant type: Deletion.
Genome position: chrM-247-GA-G.
Identifiers: ClinVar variation 1343827 (VCV001343827.3), dbSNP rs879043227, ClinGen allele CA337095800.